The following is an entry in ClinVar:

NM_001256071.3(RNF213):c.3149A>G (p.His1050Arg)

Gene: RNF213 (ring finger protein 213; plus strand). Cytogenetic location: 17q25.3.
Variant type: single nucleotide variant.
Coding change: c.3149A>G on transcript NM_001256071.3 (MANE Select); coding-DNA position 3149, A replaced by G.
Protein change: p.His1050Arg; replaces histidine 1050 with arginine.
Molecular consequence: missense variant.
Genome position (GRCh38, 1-based): chr17:80,325,154, A>G. VCF-style: chr17-80325154-A-G. GRCh37 (hg19) VCF-style: chr17-78298954-A-G.
Other names: c.3296A>G, p.His1099Arg (NM_001410195.1, NM_020914.5); short protein forms H1050R, H1099R.
Identifiers: ClinVar variation 2648410 (VCV002648410.24), dbSNP rs2511303177, ClinGen allele CA401379105.

ClinVar aggregate classification (germline): Uncertain significance (1 of 4 stars; one submission).

Allele frequency attached by ClinVar (database versions not stated): gnomAD exomes below 0.00001.
gnomAD v4.1: 1 of 1,536,800 alleles (0.000065%); highest among the groups gnomAD compares: Non-Finnish European, 0.000087%; no homozygotes.

Submission:

CeGaT Center for Human Genetics Tuebingen
Classification: Uncertain significance. Last evaluated: 2022-08-01. Review status: criteria provided, single submitter. Criteria: CeGaT Center For Human Genetics Tuebingen Variant Classification Criteria Version 2. Collection method: clinical testing. Allele origin: germline. Affected: yes. Observed: 1 variant allele.
Comment: RNF213: PM2, BP4